The following is an entry in ClinVar:

NM_018972.4(GDAP1):c.469A>C (p.Thr157Pro)

Gene: GDAP1 (ganglioside induced differentiation associated protein 1; plus strand). Cytogenetic location: 8q21.11.
Variant type: single nucleotide variant.
Coding change: c.469A>C on transcript NM_018972.4 (MANE Select); coding-DNA position 469, A replaced by C.
Protein change: p.Thr157Pro; replaces threonine 157 with proline.
Molecular consequence: missense variant. On other transcripts: intron variant (1).
Genome position (GRCh38, 1-based): chr8:74,360,295, A>C. VCF-style: chr8-74360295-A-C. GRCh37 (hg19) VCF-style: chr8-75272530-A-C.
Other names: c.265A>C, p.Thr89Pro (NM_001040875.4); c.142A>C, p.Thr48Pro (NM_001362929.2, NM_001362932.2); c.469A>C, p.Thr157Pro (NM_001362931.2); c.311-1589A>C (NM_001362930.2); short protein forms T157P, T48P, T89P.
Identifiers: ClinVar variation 4199 (VCV000004199.14), dbSNP rs104894079, ClinGen allele CA253038.

ClinVar aggregate classification (germline): Pathogenic. Review status: criteria provided, single submitter (1 of 4 stars). 4 submissions from 4 submitters: Pathogenic (1). 3 of the submissions do not count toward it. Last evaluated 2018-12-13.

Conditions:
Charcot-Marie-Tooth disease. Also called: Charcot-Marie-Tooth Neuropathy; Charcot-Marie-Tooth Hereditary Neuropathy. Identifiers: Orphanet 166, MedGen C0007959, MONDO:0015626.
Charcot-Marie-Tooth disease type 4A. Also called: Charcot-Marie-Tooth disease, demyelinating, autosomal recessive, type 4a. Identifiers: Orphanet 99948, MedGen C1859198, MONDO:0008961, OMIM 214400.
Charcot-Marie-Tooth disease axonal type 2K (CMT2K). Also called: CHARCOT-MARIE-TOOTH NEUROPATHY, AXONAL, TYPE 2K; Charcot-Marie-Tooth disease type 2K; CHARCOT-MARIE-TOOTH DISEASE, AXONAL, AUTOSOMAL RECESSIVE, TYPE 2K. Identifiers: Orphanet 101097, Orphanet 99944, MedGen C1842983, MONDO:0011916, OMIM 607831.

Submissions (4):

Labcorp Genetics (formerly Invitae), Labcorp
Classification: Pathogenic for Charcot-Marie-Tooth disease type 4A. Last evaluated: 2018-12-13. Review status: criteria provided, single submitter. Criteria: Invitae Variant Classification Sherloc (09022015). Collection method: clinical testing. Allele origin: germline.
Comment: This variant is not present in population databases (ExAC no frequency). For these reasons, this variant has been classified as Pathogenic. This variant has been reported to affect GDAP1 protein function via a dominant-negative or gain-of-function mechanism (PMID: 19782751, 23628762, 21890626, 18021315, 28220846). This variant has been observed to be de novo in an individual affected with Charcot-Marie-Tooth disease (PMID: 15805163), which is consistent with an autosomal dominant pattern of inheritance. ClinVar contains an entry for this variant (Variation ID: 4199). This sequence change replaces threonine with proline at codon 157 of the GDAP1 protein (p.Thr157Pro). The threonine residue is moderately conserved and there is a small physicochemical difference between threonine and proline.

Inherited Neuropathy Consortium Ii, University Of Miami
Classification: Uncertain significance for Charcot-Marie-Tooth disease type 4A. Last evaluated: 2016-01-06. Review status: no assertion criteria provided. Collection method: literature only. Allele origin: germline. Affected: yes. Not counted in ClinVar's aggregate classification.

OMIM
Classification: Pathogenic for CHARCOT-MARIE-TOOTH DISEASE, AXONAL, AUTOSOMAL DOMINANT, TYPE 2K. Last evaluated: 2005-04-01. Review status: no assertion criteria provided. Collection method: literature only. Allele origin: germline. Not counted in ClinVar's aggregate classification.

GeneReviews
No classification provided. Condition: Charcot-Marie-Tooth disease. Review status: no classification provided. Collection method: literature only. Allele origin: germline. Not counted in ClinVar's aggregate classification.

Literature cited by the submitters: PubMed 19782751 (cited by Labcorp Genetics (formerly Invitae), Labcorp); PubMed 23628762 (cited by Labcorp Genetics (formerly Invitae), Labcorp); PubMed 21890626 (cited by Labcorp Genetics (formerly Invitae), Labcorp); PubMed 18021315 (cited by Labcorp Genetics (formerly Invitae), Labcorp); PubMed 28220846 (cited by Labcorp Genetics (formerly Invitae), Labcorp); PubMed 15805163 (cited by 3 submitters); NCBI Bookshelf NBK1539 (cited by GeneReviews); PubMed 20301711 (cited by GeneReviews).